The following is an entry in ClinVar:

NM_000038.6(APC):c.3613A>G (p.Ser1205Gly)

Gene: APC (APC regulator of Wnt signaling pathway; plus strand). Cytogenetic location: 5q22.2.
Variant type: single nucleotide variant.
Coding change: c.3613A>G on transcript NM_000038.6 (MANE Select); coding-DNA position 3613, A replaced by G.
Protein change: p.Ser1205Gly; replaces serine 1205 with glycine.
Molecular consequence: missense variant. On other transcripts: non-coding transcript variant (2).
Genome position (GRCh38, 1-based): chr5:112,839,207, A>G. VCF-style: chr5-112839207-A-G. GRCh37 (hg19) VCF-style: chr5-112174904-A-G.
Other names: c.3613A>G, p.Ser1205Gly (NM_001127510.3, NM_001354895.2, NM_001407450.1); c.3559A>G, p.Ser1187Gly (NM_001127511.3); c.3667A>G, p.Ser1223Gly (NM_001354896.2, NM_001407447.1, NM_001407448.1 and 1 more transcripts); c.3643A>G, p.Ser1215Gly (NM_001354897.2); c.3538A>G, p.Ser1180Gly (NM_001354898.2); c.3529A>G, p.Ser1177Gly (NM_001354899.2); c.3490A>G, p.Ser1164Gly (NM_001354900.2); c.3436A>G, p.Ser1146Gly (NM_001354901.2, NM_001407453.1); and 11 more; short protein forms S1114G, S1195G, S1076G, S1079G, S1146G, S1164G, S1180G, S1187G.
Identifiers: ClinVar variation 3635446 (VCV003635446.2).
Genomic context (GRCh38, chr5:112,839,207, plus strand): 5'-ACAGATATTCCTTCATCACAGAAACAGTCATTTTCATTCTCAAAGAGTTCATCTGGACAA[A>G]GCAGTAAAACCGAACATATGTCTTCAAGCAGTGAGAATACGTCCACACCTTCATCTAATG-3'
Protein context (NP_000029.2, residues 1195-1215): FSFSKSSSGQ[Ser1205Gly]SKTEHMSSSS

ClinVar aggregate classification (germline): Uncertain significance (1 of 4 stars; one submission).

Conditions:
Familial adenomatous polyposis 1 (FAP1). Also called: FAMILIAL ADENOMATOUS POLYPOSIS 1, ATTENUATED; POLYPOSIS, ADENOMATOUS INTESTINAL. Identifiers: MedGen C2713442, MONDO:0021056, OMIM 175100. Disease mechanism: loss of function.

Submission:

Labcorp Genetics (formerly Invitae), Labcorp
Classification: Uncertain significance for Familial adenomatous polyposis 1. Last evaluated: 2024-12-28. Review status: criteria provided, single submitter. Criteria: Invitae Variant Classification Sherloc (09022015). Collection method: clinical testing. Allele origin: germline.
Comment: This sequence change replaces serine, which is neutral and polar, with glycine, which is neutral and non-polar, at codon 1205 of the APC protein (p.Ser1205Gly). This variant is not present in population databases (gnomAD no frequency). This variant has not been reported in the literature in individuals affected with APC-related conditions. Invitae Evidence Modeling of protein sequence and biophysical properties (such as structural, functional, and spatial information, amino acid conservation, physicochemical variation, residue mobility, and thermodynamic stability) indicates that this missense variant is not expected to disrupt APC protein function with a negative predictive value of 95%. In summary, the available evidence is currently insufficient to determine the role of this variant in disease. Therefore, it has been classified as a Variant of Uncertain Significance.